The following is an entry in ClinVar:

ClinVar aggregate classification (germline): Likely benign. Review status: criteria provided, single submitter (1 of 4 stars). 2 submissions from 2 submitters: Likely benign (1). 1 of the submissions does not count toward it. Last evaluated 2026-04-01.

Conditions:
GRIA1-related disorder. Also called: GRIA1-related condition.

Allele frequency attached by ClinVar (database versions not stated): ExAC 0.00086; 1000 Genomes Project 0.00160; 1000 Genomes Project 30x 0.00187; TOPMed 0.00323; gnomAD 0.00336; gnomAD exomes 0.00541.
gnomAD v4.1: 7,929 of 1,535,394 alleles (0.52%); highest among the groups gnomAD compares: Non-Finnish European, 0.62%; 34 homozygotes.

Submissions (2):

CeGaT Center for Human Genetics Tuebingen
Classification: Likely benign. Last evaluated: 2026-04-01. Review status: criteria provided, single submitter. Criteria: CeGaT Center For Human Genetics Tuebingen Variant Classification Criteria Version 2. Collection method: clinical testing. Allele origin: germline. Affected: yes. Observed: 4 variant alleles.
Comment: GRIA1: BP4, BS2

PreventionGenetics, part of Exact Sciences
Classification: Likely benign for GRIA1-related condition. Last evaluated: 2019-06-12. Review status: no assertion criteria provided. Collection method: clinical testing. Allele origin: germline. Not counted in ClinVar's aggregate classification.
Comment: This variant is classified as likely benign based on ACMG/AMP sequence variant interpretation guidelines (Richards et al. 2015 PMID: 25741868, with internal and published modifications).

NM_000827.4(GRIA1):c.82+1274G>A

Gene: GRIA1 (glutamate ionotropic receptor AMPA type subunit 1; plus strand). Cytogenetic location: 5q33.2.
Variant type: single nucleotide variant.
Coding change: c.82+1274G>A on transcript NM_000827.4 (MANE Select); 1274 bases into the intron after coding-DNA position 82, G replaced by A.
Molecular consequence: intron variant. On other transcripts: missense variant (3).
Genome position (GRCh38, 1-based): chr5:153,492,244, G>A. VCF-style: chr5-153492244-G-A. GRCh37 (hg19) VCF-style: chr5-152871804-G-A.
Other names: c.46G>A, p.Gly16Ser (NM_001258021.2, NM_001258022.2); c.43G>A, p.Gly15Ser (NM_001364166.2); c.-126+912G>A (NM_001364167.2, NM_001258023.1); c.-261+1274G>A (NM_001258020.2); c.82+1274G>A (NM_001114183.2, NM_001364165.2, NM_001258019.2); short protein forms G15S, G16S.
Identifiers: ClinVar variation 3034317 (VCV003034317.15), dbSNP rs3811982, ClinGen allele CA3524201.